The following is an entry in ClinVar:

ClinVar aggregate classification (germline): Uncertain significance. Review status: criteria provided, multiple submitters, no conflicts (2 of 4 stars). 2 submissions from 2 submitters: Uncertain significance (2). Last evaluated 2022-11-10.

Conditions:
Inborn genetic diseases. Identifiers: MedGen C0950123, MeSH D030342.

gnomAD v4.1: 2 of 1,612,992 alleles (0.00012%); highest among the groups gnomAD compares: African/African-American, 0.0013%; no homozygotes.

Submissions (2):

Ambry Genetics
Classification: Uncertain significance for Inborn genetic diseases. Last evaluated: 2022-11-10. Review status: criteria provided, single submitter. Criteria: Ambry Variant Classification Scheme 2023. Collection method: clinical testing. Allele origin: germline.
Comment: The p.L1635V variant (also known as c.4903C>G), located in coding exon 28 of the ATR gene, results from a C to G substitution at nucleotide position 4903. The leucine at codon 1635 is replaced by valine, an amino acid with highly similar properties. This amino acid position is conserved. In addition, this alteration is predicted to be tolerated by in silico analysis. Since supporting evidence is limited at this time, the clinical significance of this alteration remains unclear.

Labcorp Genetics (formerly Invitae), Labcorp
Classification: Uncertain significance. Last evaluated: 2020-12-23. Review status: criteria provided, single submitter. Criteria: Invitae Variant Classification Sherloc (09022015). Collection method: clinical testing. Allele origin: germline.
Comment: In summary, the available evidence is currently insufficient to determine the role of this variant in disease. Therefore, it has been classified as a Variant of Uncertain Significance. Algorithms developed to predict the effect of missense changes on protein structure and function (SIFT, PolyPhen-2, Align-GVGD) all suggest that this variant is likely to be tolerated, but these predictions have not been confirmed by published functional studies and their clinical significance is uncertain. This variant has not been reported in the literature in individuals with ATR-related conditions. This variant is not present in population databases (ExAC no frequency). This sequence change replaces leucine with valine at codon 1635 of the ATR protein (p.Leu1635Val). The leucine residue is moderately conserved and there is a small physicochemical difference between leucine and valine.

NM_001184.4(ATR):c.4903C>G (p.Leu1635Val)

Gene: ATR (ATR checkpoint kinase; minus strand). Cytogenetic location: 3q23.
Variant type: single nucleotide variant.
Coding change: c.4903C>G on transcript NM_001184.4 (MANE Select); coding-DNA position 4903, C replaced by G.
Protein change: p.Leu1635Val; replaces leucine 1635 with valine.
Molecular consequence: missense variant.
Genome position (GRCh38, 1-based): chr3:142,508,059, G>C on the plus strand (C>G on the coding strand, the complement: ATR is on the minus strand). VCF-style: chr3-142508059-G-C. GRCh37 (hg19) VCF-style: chr3-142226901-G-C.
Other names: c.4903C>G (NM_001184.3); c.4711C>G, p.Leu1571Val (NM_001354579.2); short protein forms L1571V, L1635V.
Identifiers: ClinVar variation 1496524 (VCV001496524.9), dbSNP rs748561484, ClinGen allele CA354820828.